The following is an entry in ClinVar:

ClinVar aggregate classification (germline): Likely benign. Review status: criteria provided, single submitter (1 of 4 stars). 2 submissions from 2 submitters: Likely benign (1). 1 of the submissions does not count toward it. Last evaluated 2025-12-11.

Allele frequency attached by ClinVar (database versions not stated): TOPMed 0.00002; gnomAD 0.00006; gnomAD exomes 0.00023; ExAC 0.00025; 1000 Genomes Project 30x 0.00031; 1000 Genomes Project 0.00040.
gnomAD v4.1: 112 of 1,614,242 alleles (0.0069%); highest among the groups gnomAD compares: South Asian, 0.1%; 1 homozygote.

Submissions (2):

Labcorp Genetics (formerly Invitae), Labcorp
Classification: Likely benign. Last evaluated: 2025-12-11. Review status: criteria provided, single submitter. Criteria: Invitae Variant Classification Sherloc (09022015). Collection method: clinical testing. Allele origin: germline.

Department of Pathology and Laboratory Medicine, Sinai Health System
Classification: Uncertain significance. Review status: no assertion criteria provided. Collection method: clinical testing. Allele origin: unknown. Affected: yes. Study: The Canadian Open Genetics Repository (COGR). Not counted in ClinVar's aggregate classification.
Comment: The FLNB p.Asp1656His variant was not identified in the literature nor was it identified in ClinVar or LOVD 3.0. The variant was identified in dbSNP (ID: rs574654024) and in control databases in 57 of 251468 chromosomes (1 homozygous) at a frequency of 0.0002267 (Genome Aggregation Database March 6, 2019, v2.1.1). The variant was observed in the following populations: South Asian in 53 of 30616 chromosomes (freq: 0.001731), Other in 3 of 6134 chromosomes (freq: 0.000489) and African in 1 of 16256 chromosomes (freq: 0.000062), but was not observed in the Latino, Ashkenazi Jewish, East Asian, European (Finnish), or European (non-Finnish) populations. The p.Asp1656 residue is conserved across mammals and other organisms, and computational analyses (PolyPhen-2, SIFT, AlignGVGD, BLOSUM, MutationTaster) suggest that the variant may impact the protein; however, this information is not predictive enough to assume pathogenicity. The variant occurs outside of the splicing consensus sequence and 3 of 4 in silico or computational prediction software programs (SpliceSiteFinder, MaxEntScan, NNSPLICE, GeneSplicer) predict a greater than 10% difference in splicing. However, this information is not predictive enough to assume pathogenicity. In summary, based on the above information the clinical significance of this variant cannot be determined with certainty at this time. This variant is classified as a variant of uncertain significance.

NM_001457.4(FLNB):c.4966G>C (p.Asp1656His)

Gene: FLNB (filamin B; plus strand). Cytogenetic location: 3p14.3.
Variant type: single nucleotide variant.
Coding change: c.4966G>C on transcript NM_001457.4 (MANE Select); coding-DNA position 4966, G replaced by C.
Protein change: p.Asp1656His; replaces aspartic acid 1656 with histidine.
Molecular consequence: missense variant.
Genome position (GRCh38, 1-based): chr3:58,138,386, G>C. VCF-style: chr3-58138386-G-C. GRCh37 (hg19) VCF-style: chr3-58124113-G-C.
Other names: c.5059G>C, p.Asp1687His (NM_001164317.2); c.4966G>C, p.Asp1656His (NM_001164318.2, NM_001164319.2); short protein forms D1656H, D1687H.
Identifiers: ClinVar variation 1050054 (VCV001050054.9), dbSNP rs574654024, ClinGen allele CA2468919.